The following is an entry in ClinVar:

NM_013314.4(BLNK):c.472G>T (p.Ala158Ser)

Gene: BLNK (B cell linker; minus strand). Cytogenetic location: 10q24.1.
Variant type: single nucleotide variant.
Coding change: c.472G>T on transcript NM_013314.4 (MANE Select); coding-DNA position 472, G replaced by T.
Protein change: p.Ala158Ser; replaces alanine 158 with serine.
Molecular consequence: missense variant. On other transcripts: non-coding transcript variant (1), intron variant (1).
Genome position (GRCh38, 1-based): chr10:96,223,879, C>A on the plus strand (G>T on the coding strand, the complement: BLNK is on the minus strand). VCF-style: chr10-96223879-C-A. GRCh37 (hg19) VCF-style: chr10-97983635-C-A.
Other names: c.472G>T, p.Ala158Ser (NM_001114094.2, NM_001258440.2, NM_001258441.2); c.349+3543G>T (NM_001258442.2); short protein forms A158S.
Identifiers: ClinVar variation 252680 (VCV000252680.58), dbSNP rs148612299, ClinGen allele CA5623460.

ClinVar aggregate classification (germline): Benign/Likely benign. Review status: criteria provided, multiple submitters, no conflicts (2 of 4 stars). 11 submissions from 11 submitters: Benign (4); Likely benign (6). 1 of the submissions does not count toward it. Last evaluated 2026-08-01.

Conditions:
BLNK-related disorder. Also called: BLNK-related condition.
Agammaglobulinemia 4, autosomal recessive (AGM4). Also called: B cell linker protein deficiency; AGAMMAGLOBULINEMIA, AUTOSOMAL RECESSIVE, DUE TO BLNK DEFECT. Identifiers: MedGen C3150752, MONDO:0013289, OMIM 613502.

Allele frequency attached by ClinVar (database versions not stated): 1000 Genomes Project 0.00300; 1000 Genomes Project 30x 0.00344; gnomAD 0.00478 and 0.00489; TOPMed 0.00526; ESP Exome Variant Server 0.00546.
gnomAD v4.1: 8,292 of 1,613,884 alleles (0.51%); highest among the groups gnomAD compares: Middle Eastern, 1.8%; 54 homozygotes.

Submissions (20):

CeGaT Center for Human Genetics Tuebingen
Classification: Benign. Last evaluated: 2026-08-01. Review status: criteria provided, single submitter. Criteria: CeGaT Center For Human Genetics Tuebingen Variant Classification Criteria Version 2. Collection method: clinical testing. Allele origin: germline. Affected: yes. Observed: 13 variant alleles.
Comment: BLNK: BP4, BS1, BS2

Labcorp Genetics (formerly Invitae), Labcorp
Classification: Benign for Agammaglobulinemia 4, autosomal recessive. Last evaluated: 2026-02-03. Review status: criteria provided, single submitter. Criteria: Invitae Variant Classification Sherloc (09022015). Collection method: clinical testing. Allele origin: germline.

Women's Health and Genetics/Laboratory Corporation of America, LabCorp
Classification: Likely benign. Last evaluated: 2026-01-30. Review status: criteria provided, single submitter. Criteria: LabCorp Variant Classification Summary - May 2015. Collection method: clinical testing. Allele origin: germline.
Comment: Variant summary: BLNK c.472G>T (p.Ala158Ser) results in a conservative amino acid change in the encoded protein sequence. Algorithms developed to predict the effect of missense changes on protein structure and function all suggest that this variant is likely to be tolerated. The variant allele was found at a frequency of 0.006 in 251470 control chromosomes in the gnomAD database, including 15 homozygotes. The observed variant frequency exceeds the estimated maximal expected allele frequency for disease-causing variants in BLNK. ClinVar contains an entry for this variant (Variation ID: 252680). Based on the evidence outlined above, the variant was classified as likely benign.

Genomic Medicine Center of Excellence, King Faisal Specialist Hospital and Research Centre
Classification: Likely benign. Last evaluated: 2025-08-18. Review status: criteria provided, single submitter. Criteria: ACMG Guidelines, 2015. Collection method: clinical testing. Allele origin: germline.

ARUP Laboratories, Molecular Genetics and Genomics, ARUP Laboratories
Classification: Benign for Agammaglobulinemia 4, autosomal recessive. Last evaluated: 2024-10-11. Review status: criteria provided, single submitter. Criteria: ARUP Molecular Germline Variant Investigation Process 2024. Collection method: clinical testing. Allele origin: germline.

Center for Genomics, Ann and Robert H. Lurie Children's Hospital of Chicago
Classification: Benign for Agammaglobulinemia 4, autosomal recessive. Last evaluated: 2022-10-13. Review status: criteria provided, single submitter. Criteria: ACMG Guidelines, 2015. Collection method: clinical testing. Allele origin: germline.
Comment: This variant is present in the Genome Aggregation Database (Highest reported MAF: 3.7% [382/10370], including 17 homozygotes), and in ClinVar, with multiple laboratories classifying it as a benign or likely benign (Variation ID: 252680). Evolutionary conservation and computational predictive tools suggest that this variant may not impact the protein. In summary, this variant is not expected to cause disease and is classified as benign.

Fulgent Genetics
Classification: Likely benign for Agammaglobulinemia 4, autosomal recessive. Last evaluated: 2022-04-19. Review status: criteria provided, single submitter. Criteria: ACMG Guidelines, 2015. Collection method: clinical testing. Allele origin: unknown.

Center for Pediatric Genomic Medicine, Children's Mercy Hospital and Clinics
Classification: Likely benign. Last evaluated: 2017-03-17. Review status: criteria provided, single submitter. Criteria: ACMG Guidelines, 2015. Collection method: clinical testing. Allele origin: germline.

Genomic Diagnostic Laboratory, Division of Genomic Diagnostics, Children's Hospital of Philadelphia
Classification: Likely benign. Last evaluated: 2015-09-24. Review status: criteria provided, single submitter. Criteria: DGD Variant Analysis Guidelines. Collection method: clinical testing. Allele origin: unknown.

Breakthrough Genomics
Classification: Likely benign. Review status: criteria provided, single submitter. Criteria: ACMG Guidelines, 2015. Collection method: not provided. Allele origin: germline. Inheritance: Autosomal recessive inheritance. Affected: yes.

PreventionGenetics, part of Exact Sciences
Classification: Benign for BLNK-related condition. Last evaluated: 2019-08-29. Review status: no assertion criteria provided. Collection method: clinical testing. Allele origin: germline. Not counted in ClinVar's aggregate classification.
Comment: This variant is classified as benign based on ACMG/AMP sequence variant interpretation guidelines (Richards et al. 2015 PMID: 25741868, with internal and published modifications).

Dr. Peter K. Rogan Lab, Western University
No classification provided (evidence only). Condition: Lung cancer. Review status: no classification provided. Collection method: in vitro. Allele origin: not applicable. Functional consequence: retained intron. Not counted in ClinVar's aggregate classification.

Dr. Peter K. Rogan Lab, Western University
No classification provided (evidence only). Condition: Thyroid cancer, nonmedullary, 1. Review status: no classification provided. Collection method: in vitro. Allele origin: not applicable. Functional consequence: retained intron. Not counted in ClinVar's aggregate classification.

Dr. Peter K. Rogan Lab, Western University
No classification provided (evidence only). Condition: Uterine corpus endometrial carcinoma. Review status: no classification provided. Collection method: in vitro. Allele origin: not applicable. Functional consequence: retained intron. Not counted in ClinVar's aggregate classification.

Dr. Peter K. Rogan Lab, Western University
No classification provided (evidence only). Condition: Cervical cancer. Review status: no classification provided. Collection method: in vitro. Allele origin: not applicable. Functional consequence: retained intron. Not counted in ClinVar's aggregate classification.

Dr. Peter K. Rogan Lab, Western University
No classification provided (evidence only). Condition: Cervical cancer. Review status: no classification provided. Collection method: in vitro. Allele origin: not applicable. Functional consequence: skipped exon. Not counted in ClinVar's aggregate classification.

Dr. Peter K. Rogan Lab, Western University
No classification provided (evidence only). Condition: Cervical cancer. Review status: no classification provided. Collection method: in vitro. Allele origin: not applicable. Functional consequence: retained intron. Not counted in ClinVar's aggregate classification.

Dr. Peter K. Rogan Lab, Western University
No classification provided (evidence only). Condition: Hepatocellular carcinoma. Review status: no classification provided. Collection method: in vitro. Allele origin: not applicable. Functional consequence: retained intron. Not counted in ClinVar's aggregate classification.

Dr. Peter K. Rogan Lab, Western University
No classification provided (evidence only). Condition: Ovarian serous cystadenocarcinoma. Review status: no classification provided. Collection method: in vitro. Allele origin: not applicable. Functional consequence: skipped exon. Not counted in ClinVar's aggregate classification.

Dr. Peter K. Rogan Lab, Western University
No classification provided (evidence only). Condition: Gastric cancer. Review status: no classification provided. Collection method: in vitro. Allele origin: not applicable. Functional consequence: skipped exon. Not counted in ClinVar's aggregate classification.